The following is an entry in ClinVar:

NM_020812.4(DOCK6):c.3517C>T (p.Arg1173Trp)

Gene: DOCK6 (dedicator of cytokinesis 6; minus strand). Cytogenetic location: 19p13.2.
Variant type: single nucleotide variant.
Coding change: c.3517C>T on transcript NM_020812.4 (MANE Select); coding-DNA position 3517, C replaced by T.
Protein change: p.Arg1173Trp; replaces arginine 1173 with tryptophan.
Molecular consequence: missense variant.
Genome position (GRCh38, 1-based): chr19:11,221,884, G>A on the plus strand (C>T on the coding strand, the complement: DOCK6 is on the minus strand). VCF-style: chr19-11221884-G-A. GRCh37 (hg19) VCF-style: chr19-11332560-G-A.
Other names: c.3622C>T, p.Arg1208Trp (NM_001367830.1); short protein forms R1173W, R1208W.
Identifiers: ClinVar variation 444446 (VCV000444446.57), dbSNP rs145081732, ClinGen allele CA9207225.

ClinVar aggregate classification (germline): Likely benign. Review status: criteria provided, multiple submitters, no conflicts (2 of 4 stars). 9 submissions from 9 submitters: Likely benign (4). 5 of the submissions do not count toward it. Last evaluated 2026-01-28.

Conditions:
DOCK6-related disorder. Also called: DOCK6-related condition.

Allele frequency attached by ClinVar (database versions not stated): 1000 Genomes Project 30x 0.00156; 1000 Genomes Project 0.00160; gnomAD 0.00180 and 0.00186; TOPMed 0.00191; ExAC 0.00254; ESP Exome Variant Server 0.00269.
gnomAD v4.1: 4,080 of 1,613,782 alleles (0.25%); highest among the groups gnomAD compares: Middle Eastern, 0.84%; 8 homozygotes.

Submissions (9):

Labcorp Genetics (formerly Invitae), Labcorp
Classification: Likely benign. Last evaluated: 2026-01-28. Review status: criteria provided, single submitter. Criteria: Invitae Variant Classification Sherloc (09022015). Collection method: clinical testing. Allele origin: germline.

Blueprint Genetics
Classification: Likely benign. Last evaluated: 2024-11-20. Review status: criteria provided, single submitter. Criteria: ACMG Guidelines, 2015. Collection method: clinical testing. Allele origin: germline.

CeGaT Center for Human Genetics Tuebingen
Classification: Likely benign. Last evaluated: 2023-07-01. Review status: criteria provided, single submitter. Criteria: CeGaT Center For Human Genetics Tuebingen Variant Classification Criteria Version 2. Collection method: clinical testing. Allele origin: germline. Affected: yes. Observed: 5 variant alleles.
Comment: DOCK6: BS2

GeneDx
Classification: Likely benign. Last evaluated: 2020-09-14. Review status: criteria provided, single submitter. Criteria: GeneDx Variant Classification Process June 2021. Collection method: clinical testing. Allele origin: germline. Affected: yes.

PreventionGenetics, part of Exact Sciences
Classification: Likely benign for DOCK6-related condition. Last evaluated: 2022-02-07. Review status: no assertion criteria provided. Collection method: clinical testing. Allele origin: germline. Not counted in ClinVar's aggregate classification.
Comment: This variant is classified as likely benign based on ACMG/AMP sequence variant interpretation guidelines (Richards et al. 2015 PMID: 25741868, with internal and published modifications).

Clinical Genetics DNA and cytogenetics Diagnostics Lab, Erasmus MC, Erasmus Medical Center
Classification: Likely benign. Review status: no assertion criteria provided. Collection method: clinical testing. Allele origin: germline. Affected: yes. Study: VKGL Data-share Consensus. Not counted in ClinVar's aggregate classification.

Clinical Genetics, Academic Medical Center
Classification: Likely benign. Review status: no assertion criteria provided. Collection method: clinical testing. Allele origin: germline. Affected: yes. Study: VKGL Data-share Consensus. Not counted in ClinVar's aggregate classification.

Genome Diagnostics Laboratory, University Medical Center Utrecht
Classification: Likely benign. Review status: no assertion criteria provided. Collection method: clinical testing. Allele origin: germline. Affected: yes. Study: VKGL Data-share Consensus. Not counted in ClinVar's aggregate classification.

Laboratory of Diagnostic Genome Analysis, Leiden University Medical Center (LUMC)
Classification: Likely benign. Review status: no assertion criteria provided. Collection method: clinical testing. Allele origin: germline. Affected: yes. Study: VKGL Data-share Consensus. Not counted in ClinVar's aggregate classification.